The following is an entry in ClinVar:

NM_001080414.4(CCDC88C):c.1126C>T (p.Arg376Trp)

Gene: CCDC88C (coiled-coil domain containing 88C; minus strand). Cytogenetic location: 14q32.11.
Variant type: single nucleotide variant.
Coding change: c.1126C>T on transcript NM_001080414.4 (MANE Select); coding-DNA position 1126, C replaced by T.
Protein change: p.Arg376Trp; replaces arginine 376 with tryptophan.
Molecular consequence: missense variant.
Genome position (GRCh38, 1-based): chr14:91,325,981, G>A on the plus strand (C>T on the coding strand, the complement: CCDC88C is on the minus strand). VCF-style: chr14-91325981-G-A. GRCh37 (hg19) VCF-style: chr14-91792325-G-A.
Other names: short protein forms R376W.
Identifiers: ClinVar variation 434624 (VCV000434624.7), dbSNP rs754564295, ClinGen allele CA7309988.
Genomic context (GRCh38, chr14:91,325,981, plus strand): 5'-CGTGAAGCTTGGATTTCAGCTGCAGGTTCTCCTTTTCCAGCTCATGGACTTTATCGCCCC[G>A]GGCCCGAGCAGCAGTCAGCTGTTCCTCCAGCATGGCCTTGGTTTCAATTAAAATGATATT-3'
Protein context (NP_001073883.2, residues 366-386): LEEQLTAARA[Arg376Trp]GDKVHELEKE

ClinVar aggregate classification (germline): Uncertain significance. Review status: criteria provided, multiple submitters, no conflicts (2 of 4 stars). 2 submissions from 2 submitters: Uncertain significance (2). Last evaluated 2022-08-07.

Allele frequency attached by ClinVar (database versions not stated): TOPMed 0.00001; gnomAD 0.00003 and 0.00004; gnomAD exomes 0.00004 and 0.00005; ExAC 0.00013.
gnomAD v4.1: 74 of 1,590,248 alleles (0.0047%); highest among the groups gnomAD compares: Middle Eastern, 0.033%; no homozygotes.

Submissions (2):

Labcorp Genetics (formerly Invitae), Labcorp
Classification: Uncertain significance. Last evaluated: 2022-08-07. Review status: criteria provided, single submitter. Criteria: Invitae Variant Classification Sherloc (09022015). Collection method: clinical testing. Allele origin: germline.
Comment: This sequence change replaces arginine, which is basic and polar, with tryptophan, which is neutral and slightly polar, at codon 376 of the CCDC88C protein (p.Arg376Trp). This variant is present in population databases (rs754564295, gnomAD 0.008%). This variant has not been reported in the literature in individuals affected with CCDC88C-related conditions. ClinVar contains an entry for this variant (Variation ID: 434624). Algorithms developed to predict the effect of missense changes on protein structure and function are either unavailable or do not agree on the potential impact of this missense change (SIFT: "Deleterious"; PolyPhen-2: "Probably Damaging"; Align-GVGD: "Class C0"). In summary, the available evidence is currently insufficient to determine the role of this variant in disease. Therefore, it has been classified as a Variant of Uncertain Significance.

Genetic Services Laboratory, University of Chicago
Classification: Uncertain significance. Last evaluated: 2016-05-04. Review status: criteria provided, single submitter. Criteria: ACMG Guidelines, 2015. Collection method: clinical testing. Allele origin: germline. Affected: no.